The following is an entry in ClinVar:

NM_006947.4(SRP72):c.1446C>G (p.His482Gln)

Gene: SRP72 (signal recognition particle 72; plus strand). Cytogenetic location: 4q12.
Variant type: single nucleotide variant.
Coding change: c.1446C>G on transcript NM_006947.4 (MANE Select); coding-DNA position 1446, C replaced by G.
Protein change: p.His482Gln; replaces histidine 482 with glutamine.
Molecular consequence: missense variant. On other transcripts: non-coding transcript variant (1).
Genome position (GRCh38, 1-based): chr4:56,490,589, C>G. VCF-style: chr4-56490589-C-G. GRCh37 (hg19) VCF-style: chr4-57356755-C-G.
Other names: c.1263C>G, p.His421Gln (NM_001267722.2); short protein forms H421Q, H482Q.
Identifiers: ClinVar variation 3449438 (VCV003449438.1).
Genomic context (GRCh38, chr4:56,490,589, plus strand): 5'-TTATAAACAGTTCAATAATTTTCTTATTTCTTCTTTTAGACAAAATCCAAAAGATATTCA[C>G]ACCCTGGCACAGCTTATTTCTGCTTACTCACTTGTAGATCCAGAGAAAGCCAAAGCGTAT-3'
Protein context (NP_008878.3, residues 472-492): QLWKQNPKDI[His482Gln]TLAQLISAYS

ClinVar aggregate classification (germline): Uncertain significance (1 of 4 stars; one submission).

Submission:

Ambry Genetics
Classification: Uncertain significance. Last evaluated: 2024-12-09. Review status: criteria provided, single submitter. Criteria: Ambry Variant Classification Scheme 2023. Collection method: clinical testing. Allele origin: germline.
Comment: The p.H482Q variant (also known as c.1446C>G), located in coding exon 15 of the SRP72 gene, results from a C to G substitution at nucleotide position 1446. The histidine at codon 482 is replaced by glutamine, an amino acid with highly similar properties. This amino acid position is conserved. In addition, this alteration is predicted to be tolerated by in silico analysis. Based on the available evidence, the clinical significance of this variant remains unclear.